The following is an entry in ClinVar:

ClinVar aggregate classification (germline): Likely benign. Review status: criteria provided, multiple submitters, no conflicts (2 of 4 stars). 3 submissions from 3 submitters: Likely benign (2). 1 of the submissions does not count toward it. Last evaluated 2025-11-17.

Conditions:
CSPP1-related disorder. Also called: CSPP1-related condition.
Joubert syndrome 21 (JBTS21). Identifiers: MedGen C3810212, MONDO:0014288, OMIM 615636.

Allele frequency attached by ClinVar (database versions not stated): ExAC 0.00005; gnomAD exomes 0.00006 and 0.00013; gnomAD 0.00007; TOPMed 0.00009; 1000 Genomes Project 30x 0.00016; 1000 Genomes Project 0.00020.
gnomAD v4.1: 197 of 1,612,080 alleles (0.012%); highest among the groups gnomAD compares: Non-Finnish European, 0.015%; no homozygotes.

Submissions (3):

Labcorp Genetics (formerly Invitae), Labcorp
Classification: Likely benign for Joubert syndrome 21. Last evaluated: 2025-11-17. Review status: criteria provided, single submitter. Criteria: Invitae Variant Classification Sherloc (09022015). Collection method: clinical testing. Allele origin: germline.

Blueprint Genetics
Classification: Likely benign. Last evaluated: 2024-05-13. Review status: criteria provided, single submitter. Criteria: ACMG Guidelines, 2015. Collection method: clinical testing. Allele origin: germline.

PreventionGenetics, part of Exact Sciences
Classification: Likely benign for CSPP1-related condition. Last evaluated: 2024-06-08. Review status: no assertion criteria provided. Collection method: clinical testing. Allele origin: germline. Not counted in ClinVar's aggregate classification.
Comment: This variant is classified as likely benign based on ACMG/AMP sequence variant interpretation guidelines (Richards et al. 2015 PMID: 25741868, with internal and published modifications).

NM_001382391.1(CSPP1):c.1141C>T (p.Leu381=)

Gene: CSPP1 (centrosome and spindle pole associated protein 1; plus strand). Cytogenetic location: 8q13.2.
Variant type: single nucleotide variant.
Coding change: c.1141C>T on transcript NM_001382391.1 (MANE Select); coding-DNA position 1141, C replaced by T.
Protein change: p.Leu381=; no amino-acid change (leucine 381 retained).
Molecular consequence: synonymous variant.
Genome position (GRCh38, 1-based): chr8:67,112,019, C>T. VCF-style: chr8-67112019-C-T. GRCh37 (hg19) VCF-style: chr8-68024254-C-T.
Other names: c.286C>T, p.Leu96= (NM_001291339.2); c.1060C>T, p.Leu354= (NM_001363131.2, NM_001363133.2); c.1141C>T, p.Leu381= (NM_001363132.2); c.1249C>T, p.Leu417= (NM_001364869.1); c.1069C>T, p.Leu357= (NM_001364870.1); c.1168C>T, p.Leu390= (NM_024790.7).
Identifiers: ClinVar variation 749999 (VCV000749999.13), dbSNP rs539302524, ClinGen allele CA4770464.